The following is an entry in ClinVar:

ClinVar aggregate classification (germline): Uncertain significance (1 of 4 stars; one submission).

Submission:

Ambry Genetics
Classification: Uncertain significance. Last evaluated: 2025-07-22. Review status: criteria provided, single submitter. Criteria: Ambry Variant Classification Scheme 2023. Collection method: clinical testing. Allele origin: germline.
Comment: The c.504C>A (p.C168*) alteration, located in exon 5 (coding exon 5) of the CELF2 gene, consists of a C to A substitution at nucleotide position 504. This changes the amino acid from a cysteine (C) to a stop codon at amino acid position 168. This alteration is expected to result in premature protein truncation or nonsense-mediated mRNA decay. However, loss of function of CELF2 has not been established as a mechanism of disease. This variant was not reported in population-based cohorts in the Genome Aggregation Database (gnomAD). Based on insufficient or conflicting evidence, the clinical significance of this alteration remains unclear.

NM_001326342.2(CELF2):c.504C>A (p.Cys168Ter)

Gene: CELF2 (CUGBP Elav-like family member 2; plus strand). Cytogenetic location: 10p14.
Variant type: single nucleotide variant.
Coding change: c.504C>A on transcript NM_001326342.2 (MANE Select); coding-DNA position 504, C replaced by A.
Protein change: p.Cys168Ter; replaces cysteine 168 with a stop codon.
Molecular consequence: nonsense. On other transcripts: 5 prime UTR variant (2).
Genome position (GRCh38, 1-based): chr10:11,257,838, C>A. VCF-style: chr10-11257838-C-A. GRCh37 (hg19) VCF-style: chr10-11299801-C-A.
Other names: c.411C>A, p.Cys137Ter (NM_001025076.2, NM_001083591.1, NM_001326317.2 and 15 more transcripts); c.483C>A, p.Cys161Ter (NM_001025077.3, NM_001326331.2, NM_001326332.2 and 4 more transcripts); c.576C>A, p.Cys192Ter (NM_001326325.2); c.519C>A, p.Cys173Ter (NM_001326326.2, NM_001326327.2); c.-122C>A (NM_001326333.2, NM_001326346.2); c.150C>A, p.Cys50Ter (NM_001326338.2, NM_001326339.2); c.504C>A, p.Cys168Ter (NM_001326340.2, NM_001326341.2, NM_001326343.2 and 4 more transcripts); c.435C>A, p.Cys145Ter (NM_001326347.1); short protein forms C137*, C161*, C192*, C173*, C50*, C145*, C168*.
Identifiers: ClinVar variation 4225187 (VCV004225187.1).